The following is an entry in ClinVar:

NM_001440.4(EXTL3):c.1342G>A (p.Ala448Thr)

Gene: EXTL3 (exostosin like glycosyltransferase 3; plus strand). Cytogenetic location: 8p21.1.
Variant type: single nucleotide variant.
Coding change: c.1342G>A on transcript NM_001440.4 (MANE Select); coding-DNA position 1342, G replaced by A.
Protein change: p.Ala448Thr; replaces alanine 448 with threonine.
Molecular consequence: missense variant.
Genome position (GRCh38, 1-based): chr8:28,717,401, G>A. VCF-style: chr8-28717401-G-A. GRCh37 (hg19) VCF-style: chr8-28574918-G-A.
Other names: short protein forms A448T.
Identifiers: ClinVar variation 1900361 (VCV001900361.2), dbSNP rs776651722, ClinGen allele CA4696191.

ClinVar aggregate classification (germline): Uncertain significance (1 of 4 stars; one submission).

Allele frequency attached by ClinVar (database versions not stated): ExAC 0.00001; gnomAD exomes 0.00001.
gnomAD v4.1: 4 of 1,614,204 alleles (0.00025%); highest among the groups gnomAD compares: Middle Eastern, 0.066%; no homozygotes.

Submission:

Labcorp Genetics (formerly Invitae), Labcorp
Classification: Uncertain significance. Last evaluated: 2022-04-10. Review status: criteria provided, single submitter. Criteria: Invitae Variant Classification Sherloc (09022015). Collection method: clinical testing. Allele origin: germline.
Comment: This sequence change replaces alanine, which is neutral and non-polar, with threonine, which is neutral and polar, at codon 448 of the EXTL3 protein (p.Ala448Thr). This variant is present in population databases (rs776651722, gnomAD no frequency). This variant has not been reported in the literature in individuals affected with EXTL3-related conditions. Algorithms developed to predict the effect of missense changes on protein structure and function (SIFT, PolyPhen-2, Align-GVGD) all suggest that this variant is likely to be tolerated. In summary, the available evidence is currently insufficient to determine the role of this variant in disease. Therefore, it has been classified as a Variant of Uncertain Significance.